The following is an entry in ClinVar:

ClinVar aggregate classification (germline): Benign/Likely benign. Review status: criteria provided, multiple submitters, no conflicts (2 of 4 stars). 6 submissions from 6 submitters: Benign (1); Likely benign (4). 1 of the submissions does not count toward it. Last evaluated 2026-02-01.

Conditions:
Dyskeratosis congenita, autosomal dominant 1 (DKCA1). Also called: Dyskeratosis congenita Scoggins type. Identifiers: Orphanet 1775, MedGen C4551974, MONDO:0007485, OMIM 127550. Inheritance: Variable.
Pulmonary fibrosis and/or bone marrow failure, Telomere-related, 3. Also called: PULMONARY FIBROSIS AND/OR BONE MARROW FAILURE SYNDROME, TELOMERE-RELATED, 3. Identifiers: Orphanet 2032, MedGen C4225346, MONDO:0014613, OMIM 616373.
Dyskeratosis congenita, autosomal recessive 5 (DKCB5). Identifiers: MedGen C3554656, MONDO:0014076, OMIM 615190.
Dyskeratosis congenita. Identifiers: Orphanet 1775, MedGen C0265965, MONDO:0015780.

Allele frequency attached by ClinVar (database versions not stated): gnomAD 0.00044; TOPMed 0.00044; 1000 Genomes Project 30x 0.00047; ESP Exome Variant Server 0.00054; 1000 Genomes Project 0.00060; ExAC 0.00060; gnomAD exomes 0.00060.
gnomAD v4.1: 1,200 of 1,612,532 alleles (0.074%); highest among the groups gnomAD compares: South Asian, 0.13%; 2 homozygotes.

Submissions (6):

Labcorp Genetics (formerly Invitae), Labcorp
Classification: Benign for Dyskeratosis congenita, autosomal recessive 5; Pulmonary fibrosis and/or bone marrow failure, Telomere-related, 3. Last evaluated: 2026-02-01. Review status: criteria provided, single submitter. Criteria: Invitae Variant Classification Sherloc (09022015). Collection method: clinical testing. Allele origin: germline.

Mayo Clinic Laboratories, Mayo Clinic
Classification: Likely benign. Last evaluated: 2025-01-08. Review status: criteria provided, single submitter. Criteria: ACMG Guidelines, 2015. Collection method: clinical testing. Allele origin: germline. Observed: 2 variant alleles.
Comment: BS1, BP4, BP7

Blueprint Genetics
Classification: Likely benign. Last evaluated: 2024-11-26. Review status: criteria provided, single submitter. Criteria: ACMG Guidelines, 2015. Collection method: clinical testing. Allele origin: germline.

Sema4
Classification: Likely benign for Dyskeratosis congenita. Last evaluated: 2021-09-03. Review status: criteria provided, single submitter. Criteria: Sema4 Curation Guidelines. Collection method: curation. Allele origin: germline.

Genetic Services Laboratory, University of Chicago
Classification: Likely benign. Last evaluated: 2020-09-14. Review status: criteria provided, single submitter. Criteria: ACMG Guidelines, 2015. Collection method: clinical testing. Allele origin: germline. Affected: no.

Natera, Inc.
Classification: Benign for Autosomal dominant dyskeratosis congenita. Last evaluated: 2020-04-30. Review status: no assertion criteria provided. Collection method: clinical testing. Allele origin: germline. Not counted in ClinVar's aggregate classification.

NM_001283009.2(RTEL1):c.959-10C>T

Genes: RTEL1 (regulator of telomere elongation helicase 1; plus strand), RTEL1-TNFRSF6B (RTEL1-TNFRSF6B readthrough (NMD candidate); plus strand). Cytogenetic location: 20q13.33.
Variant type: single nucleotide variant.
Coding change: c.959-10C>T on transcript NM_001283009.2 (MANE Select); 10 bases into the intron before coding-DNA position 959, C replaced by T.
Molecular consequence: intron variant.
Genome position (GRCh38, 1-based): chr20:63,678,258, C>T. VCF-style: chr20-63678258-C-T. GRCh37 (hg19) VCF-style: chr20-62309611-C-T.
Other names: p.?; c.290-10C>T (NM_001283010.1); c.1031-10C>T (NM_032957.5); c.959-10C>T (NM_016434.4).
Identifiers: ClinVar variation 734142 (VCV000734142.17), dbSNP rs202035834, ClinGen allele CA9964542.
Genomic context (GRCh38, chr20:63,678,258, plus strand): 5'-CCCCGCCTCCTTGCAGCTGGGTGGGGCCTCCTCCTTGCGAGGAGGTGGGTGACACCTCCT[C>T]GACCCACAGTGATCCTGCTGCGCCTGGAGGGGGCCATCGATGCTGTTGAGCTGCCTGGAG-3'